The following is an entry in ClinVar:

NM_005751.5(AKAP9):c.11696C>T (p.Thr3899Ile)

Gene: AKAP9 (A-kinase anchoring protein 9; plus strand). Cytogenetic location: 7q21.2.
Variant type: single nucleotide variant.
Coding change: c.11696C>T on transcript NM_005751.5 (MANE Select); coding-DNA position 11696, C replaced by T.
Protein change: p.Thr3899Ile; replaces threonine 3899 with isoleucine.
Molecular consequence: missense variant.
Genome position (GRCh38, 1-based): chr7:92,110,131, C>T. VCF-style: chr7-92110131-C-T. GRCh37 (hg19) VCF-style: chr7-91739445-C-T.
Other names: c.6341C>T, p.Thr2114Ile (NM_001379277.1); c.11672C>T, p.Thr3891Ile (NM_147185.3); short protein forms T3891I, T2114I, T3899I.
Identifiers: ClinVar variation 1446773 (VCV001446773.8), dbSNP rs199577930, ClinGen allele CA4338287.

ClinVar aggregate classification (germline): Conflicting classifications of pathogenicity. Review status: criteria provided, conflicting classifications (1 of 4 stars). 2 submissions from 2 submitters: Uncertain significance (1); Likely benign (1). Last evaluated 2025-12-15.

Conditions:
Long QT syndrome (LQTS). Identifiers: MedGen C0023976, MeSH D008133, MONDO:0002442. Disease mechanism: loss of function. Inheritance: Various modes of inheritance.
Cardiovascular phenotype. Identifiers: MedGen CN230736.

Allele frequency attached by ClinVar (database versions not stated): TOPMed 0.00014; ExAC 0.00019; 1000 Genomes Project 0.00040; 1000 Genomes Project 30x 0.00062; gnomAD 0.00004 and 0.00009; gnomAD exomes 0.00009 and 0.00013.
gnomAD v4.1: 144 of 1,601,722 alleles (0.009%); highest among the groups gnomAD compares: East Asian, 0.3%; 2 homozygotes.

Submissions (2):

Labcorp Genetics (formerly Invitae), Labcorp
Classification: Uncertain significance for Long QT syndrome. Last evaluated: 2025-12-15. Review status: criteria provided, single submitter. Criteria: Invitae Variant Classification Sherloc (09022015). Collection method: clinical testing. Allele origin: germline.
Comment: This sequence change replaces threonine, which is neutral and polar, with isoleucine, which is neutral and non-polar, at codon 3899 of the AKAP9 protein (p.Thr3899Ile). This variant is present in population databases (rs199577930, gnomAD 0.1%), and has an allele count higher than expected for a pathogenic variant. This variant has not been reported in the literature in individuals affected with AKAP9-related conditions. ClinVar contains an entry for this variant (Variation ID: 1446773). An algorithm developed to predict the effect of missense changes on protein structure and function outputs the following: PolyPhen-2: "Benign". The isoleucine amino acid residue is found in multiple mammalian species, which suggests that this missense change does not adversely affect protein function. In summary, the available evidence is currently insufficient to determine the role of this variant in disease. Therefore, it has been classified as a Variant of Uncertain Significance.

Ambry Genetics
Classification: Likely benign for Cardiovascular phenotype. Last evaluated: 2020-12-02. Review status: criteria provided, single submitter. Criteria: Ambry Variant Classification Scheme 2023. Collection method: clinical testing. Allele origin: germline.